The following is an entry in ClinVar:

NM_006084.5(IRF9):c.541AGC[10] (p.Ser187_Pro188insSerSerSer)

Gene: IRF9 (interferon regulatory factor 9; plus strand). Cytogenetic location: 14q12.
Variant type: Microsatellite.
Coding change: c.541AGC[10] on transcript NM_006084.5 (MANE Select); ten copies in a row of the 3-base unit AGC starting at c.541; the reference has seven copies in a row; three copies, 9 bases duplicated.
Protein change: p.Ser187_Pro188insSerSerSer.
Molecular consequence: inframe insertion.
Genome position (GRCh38, 1-based): chr14:24,163,935-24,163,943, AGCAGCAGC duplicated; duplicating any 9 consecutive bases within chr14:24,163,923-24,163,943 gives the same sequence; the position shown is the placement nearest the transcript's 3' end. VCF-style (leftmost placement, unchanged base first): chr14-24163922-G-GAGCAGCAGC. GRCh37 (hg19) VCF-style: chr14-24633131-G-GAGCAGCAGC.
Other names: c.541AGC[10], p.Ser187_Pro188insSerSerSer (NM_001385400.1, NM_001385401.1, NM_001385402.1).
Identifiers: ClinVar variation 2971907 (VCV002971907.3), dbSNP rs746378882, ClinGen allele CA7126471.

ClinVar aggregate classification (germline): Uncertain significance (1 of 4 stars; one submission).

Submission:

Labcorp Genetics (formerly Invitae), Labcorp
Classification: Uncertain significance. Last evaluated: 2023-08-17. Review status: criteria provided, single submitter. Criteria: Invitae Variant Classification Sherloc (09022015). Collection method: clinical testing. Allele origin: germline.
Comment: In summary, the available evidence is currently insufficient to determine the role of this variant in disease. Therefore, it has been classified as a Variant of Uncertain Significance. This variant has not been reported in the literature in individuals affected with IRF9-related conditions. This variant is present in population databases (rs746378882, gnomAD 0.05%). This variant, c.553_561dup, results in the insertion of 3 amino acid(s) of the IRF9 protein (p.Ser185_Ser187dup), but otherwise preserves the integrity of the reading frame.